The following is an entry in ClinVar:

NM_000038.6(APC):c.1443G>A (p.Val481=)

Gene: APC (APC regulator of Wnt signaling pathway; plus strand). Cytogenetic location: 5q22.2.
Variant type: single nucleotide variant.
Coding change: c.1443G>A on transcript NM_000038.6 (MANE Select); coding-DNA position 1443, G replaced by A.
Protein change: p.Val481=; no amino-acid change (valine 481 retained).
Molecular consequence: synonymous variant.
Genome position (GRCh38, 1-based): chr5:112,827,142, G>A. VCF-style: chr5-112827142-G-A. GRCh37 (hg19) VCF-style: chr5-112162839-G-A.
Other names: c.1443G>A, p.Val481= (NM_001127510.3, NM_001354895.2); c.1389G>A, p.Val463= (NM_001127511.3); c.1497G>A, p.Val499= (NM_001354896.2); c.1473G>A, p.Val491= (NM_001354897.2); c.1368G>A, p.Val456= (NM_001354898.2); c.1359G>A, p.Val453= (NM_001354899.2); c.1320G>A, p.Val440= (NM_001354900.2); c.1266G>A, p.Val422= (NM_001354901.2); and 5 more.
Identifiers: ClinVar variation 220086 (VCV000220086.21), dbSNP rs146179851, ClinGen allele CA027771.

ClinVar aggregate classification (germline): Benign/Likely benign. Review status: criteria provided, multiple submitters, no conflicts (2 of 4 stars). 7 submissions from 7 submitters: Benign (2); Likely benign (5). Last evaluated 2026-08-01.

Conditions:
Classic or attenuated familial adenomatous polyposis. Identifiers: MedGen CN372698, MONDO:0021057.
Familial adenomatous polyposis 1 (FAP1). Also called: POLYPOSIS, ADENOMATOUS INTESTINAL; FAMILIAL ADENOMATOUS POLYPOSIS 1, ATTENUATED. Identifiers: MedGen C2713442, MONDO:0021056, OMIM 175100. Disease mechanism: loss of function.
Hereditary cancer-predisposing syndrome. Also called: Neoplastic Syndromes, Hereditary; Tumor predisposition; Hereditary Cancer Syndrome; Hereditary neoplastic syndrome. Identifiers: Orphanet 140162, MedGen C0027672, MeSH D009386, MONDO:0015356.

Allele frequency attached by ClinVar (database versions not stated): gnomAD exomes 0.00001 and 0.00002; ExAC 0.00002; TOPMed 0.00004; gnomAD 0.00006 and 0.00007; ESP Exome Variant Server 0.00008; 1000 Genomes Project 0.00040; 1000 Genomes Project 30x 0.00047.
gnomAD v4.1: 13 of 1,613,632 alleles (0.00081%); highest among the groups gnomAD compares: African/African-American, 0.015%; no homozygotes.

Submissions (7):

CeGaT Center for Human Genetics Tuebingen
Classification: Likely benign. Last evaluated: 2026-08-01. Review status: criteria provided, single submitter. Criteria: CeGaT Center For Human Genetics Tuebingen Variant Classification Criteria Version 2. Collection method: clinical testing. Allele origin: germline. Affected: yes. Observed: 1 variant allele.
Comment: APC: BP4, BP7

Labcorp Genetics (formerly Invitae), Labcorp
Classification: Likely benign for Familial adenomatous polyposis 1. Last evaluated: 2025-06-22. Review status: criteria provided, single submitter. Criteria: Invitae Variant Classification Sherloc (09022015). Collection method: clinical testing. Allele origin: germline.

Myriad Genetics, Inc.
Classification: Benign for Familial adenomatous polyposis 1. Last evaluated: 2024-03-01. Review status: criteria provided, single submitter. Criteria: Myriad Autosomal Dominant, Autosomal Recessive and X-Linked Classification Criteria (2023). Collection method: clinical testing. Allele origin: unknown.
Comment: This variant is considered benign. This variant is a silent/synonymous amino acid change and it is not expected to impact splicing.

All of Us Research Program, National Institutes of Health
Classification: Likely benign for Classic or attenuated familial adenomatous polyposis. Last evaluated: 2023-11-20. Review status: criteria provided, single submitter. Criteria: ACMG Guidelines, 2015. Collection method: clinical testing. Allele origin: germline. Inheritance: Autosomal dominant inheritance. Observed: 4 variant alleles, 4 heterozygotes.
Comment: This study involves interpretation of variants in research participants for the purpose of population health screening. Participant phenotype was not available at the time of variant classification. Additional details can be found in publication PMID: 35346344, PMCID: PMC8962531

Color Diagnostics, LLC DBA Color Health
Classification: Likely benign for Hereditary cancer-predisposing syndrome. Last evaluated: 2016-08-19. Review status: criteria provided, single submitter. Criteria: ACMG Guidelines, 2015. Collection method: clinical testing. Allele origin: germline.

Ambry Genetics
Classification: Likely benign for Hereditary cancer-predisposing syndrome. Last evaluated: 2015-10-21. Review status: criteria provided, single submitter. Criteria: Ambry Variant Classification Scheme 2023. Collection method: clinical testing. Allele origin: germline.

GeneDx
Classification: Benign. Last evaluated: 2015-04-01. Review status: criteria provided, single submitter. Criteria: GeneDx Variant Classification (06012015). Collection method: clinical testing. Allele origin: germline. Affected: yes.
Comment: This variant is considered likely benign or benign based on one or more of the following criteria: it is a conservative change, it occurs at a poorly conserved position in the protein, it is predicted to be benign by multiple in silico algorithms, and/or has population frequency not consistent with disease.